The following is an entry in ClinVar:

ClinVar aggregate classification (germline): Likely benign. Review status: criteria provided, multiple submitters, no conflicts (2 of 4 stars). 2 submissions from 2 submitters: Likely benign (2). Last evaluated 2025-03-14.

Conditions:
Gastrointestinal stromal tumor. Also called: Gastrointestinal stromal tumor, somatic; Gastrointestinal stroma tumor. Identifiers: Orphanet 44890, MedGen C0238198, MeSH D046152, MONDO:0011719, OMIM 606764, HP:0100723.
Pheochromocytoma/paraganglioma syndrome 3. Also called: SDHC-Related Hereditary Paraganglioma-Pheochromocytoma Syndrome (Paragangliomas 3); SDHC-Related Hereditary Paraganglioma-Pheochromocytoma Syndrome; GLOMUS TUMORS, FAMILIAL, 3; Paragangliomas 3. Identifiers: Orphanet 29072, MedGen C1854336, MONDO:0011544, OMIM 605373.

Submissions (2):

Myriad Genetics, Inc.
Classification: Likely benign for Pheochromocytoma/paraganglioma syndrome 3. Last evaluated: 2025-03-14. Review status: criteria provided, single submitter. Criteria: Myriad Autosomal Dominant, Autosomal Recessive and X-Linked Classification Criteria (2023). Collection method: clinical testing. Allele origin: unknown.
Comment: This variant is considered likely benign. This variant is intronic and is not expected to impact mRNA splicing.

Labcorp Genetics (formerly Invitae), Labcorp
Classification: Likely benign for Pheochromocytoma/paraganglioma syndrome 3; Gastrointestinal stromal tumor. Last evaluated: 2018-07-03. Review status: criteria provided, single submitter. Criteria: Invitae Variant Classification Sherloc (09022015). Collection method: clinical testing. Allele origin: germline.

NM_003001.5(SDHC):c.21-8T>C

Gene: SDHC (succinate dehydrogenase complex subunit C; plus strand). Cytogenetic location: 1q23.3.
Variant type: single nucleotide variant.
Coding change: c.21-8T>C on transcript NM_003001.5 (MANE Select); 8 bases into the intron before coding-DNA position 21, T replaced by C.
Molecular consequence: intron variant.
Genome position (GRCh38, 1-based): chr1:161,323,606, T>C. VCF-style: chr1-161323606-T-C. GRCh37 (hg19) VCF-style: chr1-161293396-T-C.
Other names: c.-91-8T>C (NM_001407119.1); c.-209-8T>C (NM_001407120.1); c.21-8T>C (NM_001407115.1, NM_001035511.3, NM_001035512.3 and 2 more transcripts); c.21-4790T>C (NM_001407116.1, NM_001407121.1, NM_001407117.1); c.20+9181T>C (NM_001035513.3).
Identifiers: ClinVar variation 762042 (VCV000762042.11), dbSNP rs1571843525, ClinGen allele CA915943643.